The following is an entry in ClinVar:

NM_001101362.3(KBTBD13):c.752_753del (p.Thr251fs)

Gene: KBTBD13 (kelch repeat and BTB domain containing 13; plus strand). Cytogenetic location: 15q22.31.
Variant type: Microsatellite.
Coding change: c.752_753del on transcript NM_001101362.3 (MANE Select); coding-DNA positions 752 to 753, 2 bases deleted (CA; older notation c.752_753delCA).
Protein change: p.Thr251fs; shifts the reading frame from threonine 251.
Molecular consequence: frameshift variant.
Genome position (GRCh38, 1-based): chr15:65,077,567-65,077,568, CA deleted; deleting any 2 consecutive bases within chr15:65,077,564-65,077,568 gives the same sequence; the c. name uses the placement nearest the transcript's 3' end. VCF-style (leftmost placement, unchanged base first): chr15-65077563-GAC-G. GRCh37 (hg19) VCF-style: chr15-65369901-GAC-G.
Other names: short protein forms T251fs.
Identifiers: ClinVar variation 1428412 (VCV001428412.6), dbSNP rs770027984, ClinGen allele CA7613968.

ClinVar aggregate classification (germline): Uncertain significance (1 of 4 stars; one submission).

Conditions:
Nemaline myopathy 6 (NEM6). Also called: Nemaline myopathy 6, autosomal dominant. Identifiers: Orphanet 171439, MedGen C1836472, MONDO:0012237, OMIM 609273.

Submission:

Labcorp Genetics (formerly Invitae), Labcorp
Classification: Uncertain significance for Nemaline myopathy 6. Last evaluated: 2023-07-05. Review status: criteria provided, single submitter. Criteria: Invitae Variant Classification Sherloc (09022015). Collection method: clinical testing. Allele origin: germline.
Comment: This variant is present in population databases (rs770027984, gnomAD 0.002%). In summary, the available evidence is currently insufficient to determine the role of this variant in disease. Therefore, it has been classified as a Variant of Uncertain Significance. Experimental studies and prediction algorithms are not available or were not evaluated, and the functional significance of this variant is currently unknown. This variant has not been reported in the literature in individuals affected with KBTBD13-related conditions. This sequence change creates a premature translational stop signal (p.Thr251Serfs*150) in the KBTBD13 gene. While this is not anticipated to result in nonsense mediated decay, it is expected to disrupt the last 208 amino acid(s) of the KBTBD13 protein.